The following is an entry in ClinVar:

NM_203446.3(SYNJ1):c.46C>T (p.Pro16Ser)

Gene: SYNJ1 (synaptojanin 1; minus strand). Cytogenetic location: 21q22.11.
Variant type: single nucleotide variant.
Coding change: c.46C>T on transcript NM_203446.3 (MANE Select); coding-DNA position 46, C replaced by T.
Protein change: p.Pro16Ser; replaces proline 16 with serine.
Molecular consequence: missense variant.
Genome position (GRCh38, 1-based): chr21:32,726,850, G>A on the plus strand (C>T on the coding strand, the complement: SYNJ1 is on the minus strand). VCF-style: chr21-32726850-G-A. GRCh37 (hg19) VCF-style: chr21-34099161-G-A.
Other names: c.46C>T, p.Pro16Ser (NM_001160302.2, NM_001160306.2); c.163C>T, p.Pro55Ser (NM_003895.4); short protein forms P16S, P55S.
Identifiers: ClinVar variation 999277 (VCV000999277.7), dbSNP rs1487423508, ClinGen allele CA410078262.

ClinVar aggregate classification (germline): Uncertain significance. Review status: criteria provided, multiple submitters, no conflicts (2 of 4 stars). 2 submissions from 2 submitters: Uncertain significance (2). Last evaluated 2022-02-06.

Conditions:
Early-onset Parkinson disease 20. Also called: PARKINSON DISEASE 20, AUTOSOMAL RECESSIVE EARLY-ONSET. Identifiers: Orphanet 391411, MedGen C3809824, MONDO:0014233, OMIM 615530.
Developmental and epileptic encephalopathy, 53. Also called: Epileptic encephalopathy, early infantile, 53. Identifiers: MedGen C4479313, MONDO:0033362, OMIM 617389.

Allele frequency attached by ClinVar (database versions not stated): gnomAD exomes 0.00001; TOPMed 0.00001.
gnomAD v4.1: 8 of 1,614,122 alleles (0.0005%); highest among the groups gnomAD compares: Non-Finnish European, 0.00068%; no homozygotes.

Submissions (2):

GeneDx
Classification: Uncertain significance. Last evaluated: 2022-02-06. Review status: criteria provided, single submitter. Criteria: GeneDx Variant Classification Process June 2021. Collection method: clinical testing. Allele origin: germline. Affected: yes.
Comment: Not observed at significant frequency in large population cohorts (gnomAD); In silico analysis supports that this missense variant does not alter protein structure/function; Has not been previously published as pathogenic or benign to our knowledge

Labcorp Genetics (formerly Invitae), Labcorp
Classification: Uncertain significance for Developmental and epileptic encephalopathy, 53; Early-onset Parkinson disease 20. Last evaluated: 2021-08-31. Review status: criteria provided, single submitter. Criteria: Invitae Variant Classification Sherloc (09022015). Collection method: clinical testing. Allele origin: germline.
Comment: This sequence change replaces proline with serine at codon 55 of the SYNJ1 protein (p.Pro55Ser). The proline residue is moderately conserved and there is a moderate physicochemical difference between proline and serine. This variant is not present in population databases (ExAC no frequency). This variant has not been reported in the literature in individuals affected with SYNJ1-related conditions. Algorithms developed to predict the effect of missense changes on protein structure and function (SIFT, PolyPhen-2, Align-GVGD) all suggest that this variant is likely to be tolerated. In summary, the available evidence is currently insufficient to determine the role of this variant in disease. Therefore, it has been classified as a Variant of Uncertain Significance.